The following is an entry in ClinVar:

NM_000532.5(PCCB):c.1217_1218insTA (p.Gly407fs)

Gene: PCCB (propionyl-CoA carboxylase subunit beta; plus strand). Cytogenetic location: 3q22.3.
Variant type: Insertion.
Coding change: c.1217_1218insTA on transcript NM_000532.5 (MANE Select); coding-DNA positions 1217 to 1218, TA inserted.
Protein change: p.Gly407fs; shifts the reading frame from glycine 407.
Molecular consequence: frameshift variant.
Genome position: GRCh38 VCF-style: chr3-136327173-G-GTA. GRCh37 (hg19) VCF-style: chr3-136046015-G-GTA.
Other names: c.1277_1278insTA, p.Gly427fs (NM_001178014.2); short protein forms G407fs, G427fs.
Identifiers: ClinVar variation 3366364 (VCV003366364.2), dbSNP rs750343369.

ClinVar aggregate classification (germline): Pathogenic. Review status: criteria provided, multiple submitters, no conflicts (2 of 4 stars). 2 submissions from 2 submitters: Pathogenic (2). Last evaluated 2024-09-06.

Conditions:
Propionic acidemia (PROP). Also called: GLYCINEMIA, KETOTIC; HYPERGLYCINEMIA WITH KETOACIDOSIS AND LEUKOPENIA; KETOTIC HYPERGLYCINEMIA. Identifiers: Orphanet 35, MedGen C0268579, MONDO:0011628, OMIM 606054, HP:0003571.
PCCB-related disorder. Also called: PCCB-related condition.

Submissions (2):

Blueprint Genetics
Classification: Pathogenic for PCCB-related disorders. Last evaluated: 2024-09-06. Review status: criteria provided, single submitter. Criteria: ACMG Guidelines, 2015. Collection method: clinical testing. Allele origin: germline. Affected: yes. Observed: 5 variant alleles.

Women's Health and Genetics/Laboratory Corporation of America, LabCorp
Classification: Pathogenic for Propionic acidemia. Last evaluated: 2024-08-09. Review status: criteria provided, single submitter. Criteria: LabCorp Variant Classification Summary - May 2015. Collection method: clinical testing. Allele origin: germline.
Comment: Variant summary: PCCB c.1217_1218insTA (p.Gly407ArgfsX37) results in a premature termination codon, predicted to cause a truncation of the encoded protein or absence of the protein due to nonsense mediated decay, which are commonly known mechanisms for disease. The frequency data for this variant in gnomAD is considered unreliable, as metrics indicate poor data quality at this position. To our knowledge, no occurrence of c.1217_1218insTA in individuals affected with Propionic Acidemia and no experimental evidence demonstrating its impact on protein function have been reported. No submitters have cited clinical-significance assessments for this variant to ClinVar. Based on the evidence outlined above, the variant was classified as pathogenic.